The following is an entry in ClinVar:

ClinVar aggregate classification (germline): Uncertain significance (1 of 4 stars; one submission).

Conditions:
Inborn genetic diseases. Identifiers: MedGen C0950123, MeSH D030342.

gnomAD v4.1: 1 of 1,614,134 alleles (0.000062%); highest among the groups gnomAD compares: Non-Finnish European, 0.000085%; no homozygotes.

Submission:

Ambry Genetics
Classification: Uncertain significance for Inborn genetic diseases. Last evaluated: 2026-08-04. Review status: criteria provided, single submitter. Criteria: Ambry Variant Classification Scheme 2023. Collection method: clinical testing. Allele origin: germline.
Comment: The p.N534S variant (also known as c.1601A>G), located in coding exon 12 of the BMPR2 gene, results from an A to G substitution at nucleotide position 1601. The asparagine at codon 534 is replaced by serine, an amino acid with highly similar properties. This amino acid position is conserved. In addition, this alteration is predicted to be tolerated by in silico analysis. Based on the available evidence, the clinical significance of this variant remains unclear.

NM_001204.7(BMPR2):c.1601A>G (p.Asn534Ser)

Gene: BMPR2 (bone morphogenetic protein receptor type 2; plus strand). Cytogenetic location: 2q33.2.
Variant type: single nucleotide variant.
Coding change: c.1601A>G on transcript NM_001204.7 (MANE Select); coding-DNA position 1601, A replaced by G.
Protein change: p.Asn534Ser; replaces asparagine 534 with serine.
Molecular consequence: missense variant.
Genome position (GRCh38, 1-based): chr2:202,555,266, A>G. VCF-style: chr2-202555266-A-G. GRCh37 (hg19) VCF-style: chr2-203419989-A-G.
Other names: short protein forms N534S.
Identifiers: ClinVar variation 5033108 (VCV005033108.1).
Genomic context (GRCh38, chr2:202,555,266, plus strand): 5'-TCATAAATGTACGTTCTCAATGTGATACTTTTTTTCTTTCTTTAAGCAACCTGTCACATA[A>G]TAGGCGTGTGCCAAAAATTGGTCCTTATCCAGATTATTCTTCCTCCTCATACATTGAAGA-3'
Protein context (NP_001195.2, residues 524-544): AMQNERNLSH[Asn534Ser]RRVPKIGPYP